The following is an entry in ClinVar:

NM_182961.4(SYNE1):c.5659C>A (p.Leu1887Met)

Gene: SYNE1 (spectrin repeat containing nuclear envelope protein 1; minus strand). Cytogenetic location: 6q25.2.
Variant type: single nucleotide variant.
Coding change: c.5659C>A on transcript NM_182961.4 (MANE Select); coding-DNA position 5659, C replaced by A.
Protein change: p.Leu1887Met; replaces leucine 1887 with methionine.
Molecular consequence: missense variant.
Genome position (GRCh38, 1-based): chr6:152,416,778, G>T on the plus strand (C>A on the coding strand, the complement: SYNE1 is on the minus strand). VCF-style: chr6-152416778-G-T. GRCh37 (hg19) VCF-style: chr6-152737913-G-T.
Other names: c.5680C>A, p.Leu1894Met (NM_033071.5); short protein forms L1887M, L1894M.
Identifiers: ClinVar variation 498572 (VCV000498572.7), dbSNP rs915404645, ClinGen allele CA150207707.

ClinVar aggregate classification (germline): Uncertain significance. Review status: criteria provided, multiple submitters, no conflicts (2 of 4 stars). 3 submissions from 3 submitters: Uncertain significance (3). Last evaluated 2025-07-21.

Allele frequency attached by ClinVar (database versions not stated): gnomAD 0.00001; TOPMed 0.00001.
gnomAD v4.1: 2 of 1,614,082 alleles (0.00012%); highest among the groups gnomAD compares: Admixed American, 0.0017%; no homozygotes.

Submissions (3):

Women's Health and Genetics/Laboratory Corporation of America, LabCorp
Classification: Uncertain significance. Last evaluated: 2025-07-21. Review status: criteria provided, single submitter. Criteria: LabCorp Variant Classification Summary - May 2015. Collection method: clinical testing. Allele origin: germline.
Comment: Variant summary: SYNE1 c.5680C>A (p.Leu1894Met) results in a conservative amino acid change in the encoded protein sequence. Algorithms developed to predict the effect of missense changes on protein structure and function are either unavailable or do not agree on the potential impact of this missense change. The variant was absent in 251158 control chromosomes (gnomAD v2.1). The available data on variant occurrences in the general population are insufficient to allow any conclusion about variant significance. c.5680C>A has been observed in an individual affected with (suspected) limb-girdle muscular dystrophy (LGMD), (Nallamilli_2018, reported through LOVD). These report(s) do not provide unequivocal conclusions about association of the variant with Autosomal recessive ataxia, Beauce type. To our knowledge, no experimental evidence demonstrating an impact on protein function has been reported. The following publication have been ascertained in the context of this evaluation (PMID: 30564623). ClinVar contains an entry for this variant (Variation ID: 498572). Based on the evidence outlined above, the variant was classified as uncertain significance.

Blueprint Genetics
Classification: Uncertain significance. Last evaluated: 2024-01-24. Review status: criteria provided, single submitter. Criteria: ACMG Guidelines, 2015. Collection method: clinical testing. Allele origin: germline.

Eurofins Ntd Llc (ga)
Classification: Uncertain significance. Last evaluated: 2016-11-30. Review status: criteria provided, single submitter. Criteria: EGL Classification Definitions 2015. Collection method: clinical testing. Allele origin: germline. Observed: 1 variant allele, 1 heterozygote.

Literature cited by the submitters: PubMed 30564623 (cited by Women's Health and Genetics/Laboratory Corporation of America, LabCorp).